The following is an entry in ClinVar:

NM_002187.3(IL12B):c.247G>A (p.Gly83Arg)

Gene: IL12B (interleukin 12B; minus strand). Cytogenetic location: 5q33.3.
Variant type: single nucleotide variant.
Coding change: c.247G>A on transcript NM_002187.3 (MANE Select); coding-DNA position 247, G replaced by A.
Protein change: p.Gly83Arg; replaces glycine 83 with arginine.
Molecular consequence: missense variant.
Genome position (GRCh38, 1-based): chr5:159,323,171, C>T on the plus strand (G>A on the coding strand, the complement: IL12B is on the minus strand). VCF-style: chr5-159323171-C-T. GRCh37 (hg19) VCF-style: chr5-158750179-C-T.
Other names: short protein forms G83R.
Identifiers: ClinVar variation 541808 (VCV000541808.1), dbSNP rs756537897, ClinGen allele CA3538858.

ClinVar aggregate classification (germline): Uncertain significance (1 of 4 stars; one submission).

Conditions:
Mendelian susceptibility to mycobacterial diseases due to complete IL12B deficiency. Also called: IL12B DEFICIENCY; Immunodeficiency 29. Identifiers: Orphanet 319558, MedGen C4013948, MONDO:0013954, OMIM 614890.

Allele frequency attached by ClinVar (database versions not stated): gnomAD exomes below 0.00001 and 0.00001; ExAC 0.00001; TOPMed 0.00001; gnomAD 0.00003.
gnomAD v4.1: 6 of 1,614,026 alleles (0.00037%); highest among the groups gnomAD compares: Admixed American, 0.0017%; no homozygotes.

Submission:

Labcorp Genetics (formerly Invitae), Labcorp
Classification: Uncertain significance for Mendelian susceptibility to mycobacterial diseases due to complete IL12B deficiency. Last evaluated: 2017-11-06. Review status: criteria provided, single submitter. Criteria: Invitae Variant Classification Sherloc (09022015). Collection method: clinical testing. Allele origin: germline.
Comment: This sequence change replaces glycine with arginine at codon 83 of the IL12B protein (p.Gly83Arg). The glycine residue is weakly conserved and there is a moderate physicochemical difference between glycine and arginine. This variant is present in population databases (rs756537897, ExAC 0.001%). This variant has not been reported in the literature in individuals with IL12B-related disease. Algorithms developed to predict the effect of missense changes on protein structure and function (SIFT, PolyPhen-2, Align-GVGD) all suggest that this variant is likely to be tolerated, but these predictions have not been confirmed by published functional studies and their clinical significance is uncertain. In summary, the available evidence is currently insufficient to determine the role of this variant in disease. Therefore, it has been classified as a Variant of Uncertain Significance.